The following is an entry in ClinVar:

NM_015338.6(ASXL1):c.2546C>A (p.Pro849His)

Gene: ASXL1 (ASXL transcriptional regulator 1; plus strand). Cytogenetic location: 20q11.21.
Variant type: single nucleotide variant.
Coding change: c.2546C>A on transcript NM_015338.6 (MANE Select); coding-DNA position 2546, C replaced by A.
Protein change: p.Pro849His; replaces proline 849 with histidine.
Molecular consequence: missense variant.
Genome position (GRCh38, 1-based): chr20:32,435,258, C>A. VCF-style: chr20-32435258-C-A. GRCh37 (hg19) VCF-style: chr20-31023061-C-A.
Other names: c.2363C>A, p.Pro788His (NM_001363734.1); short protein forms P849H, P788H.
Identifiers: ClinVar variation 3956623 (VCV003956623.1).
Genomic context (GRCh38, chr20:32,435,258, plus strand): 5'-AAGCTCTTGACAGTCATCCCACTATGAAGGATCCTGTAAATGTGACCCCCAGTTCCACAC[C>A]TGAATCCTCACCGACTGATTGCCTGCAGAACAGAGCATTTGATGACGAATTAGGGCTTGG-3'
Protein context (NP_056153.2, residues 839-859): DPVNVTPSST[Pro849His]ESSPTDCLQN

ClinVar aggregate classification (germline): Uncertain significance (1 of 4 stars; one submission).

Conditions:
Inborn genetic diseases. Identifiers: MedGen C0950123, MeSH D030342.

Submission:

Ambry Genetics
Classification: Uncertain significance for Inborn genetic diseases. Last evaluated: 2025-05-03. Review status: criteria provided, single submitter. Criteria: Ambry Variant Classification Scheme 2023. Collection method: clinical testing. Allele origin: germline.
Comment: The p.P849H variant (also known as c.2546C>A), located in coding exon 13 of the ASXL1 gene, results from a C to A substitution at nucleotide position 2546. The proline at codon 849 is replaced by histidine, an amino acid with similar properties. This amino acid position is conserved. In addition, this alteration is predicted to be tolerated by in silico analysis. Based on the available evidence, the clinical significance of this variant remains unclear.